The following is an entry in ClinVar:

NM_000246.4(CIITA):c.2356C>A (p.Gln786Lys)

Gene: CIITA (class II major histocompatibility complex transactivator; plus strand). Cytogenetic location: 16p13.13.
Variant type: single nucleotide variant.
Coding change: c.2356C>A on transcript NM_000246.4 (MANE Select); coding-DNA position 2356, C replaced by A.
Protein change: p.Gln786Lys; replaces glutamine 786 with lysine.
Molecular consequence: missense variant. On other transcripts: intron variant (1).
Genome position (GRCh38, 1-based): chr16:10,907,848, C>A. VCF-style: chr16-10907848-C-A. GRCh37 (hg19) VCF-style: chr16-11001705-C-A.
Other names: c.2359C>A, p.Gln787Lys (NM_001286402.1, NM_001379332.1); c.2212C>A, p.Gln738Lys (NM_001379330.1); c.2209C>A, p.Gln737Lys (NM_001379331.1); c.2356C>A, p.Gln786Lys (NM_001379333.1); c.2287C>A, p.Gln763Lys (NM_001379334.1); c.860-1135C>A (NM_001286403.2); short protein forms Q786K, Q787K, Q737K, Q738K, Q763K.
Identifiers: ClinVar variation 102997 (VCV000102997.4), dbSNP rs199476072, ClinGen allele CA229971.

ClinVar aggregate classification (germline): Uncertain significance. Review status: criteria provided, single submitter (1 of 4 stars). 3 submissions from 3 submitters: Uncertain significance (1). 2 of the submissions do not count toward it. Last evaluated 2021-08-30.

Conditions:
MHC class II deficiency. Also called: Bare lymphocyte syndrome 2; BLS, TYPE II. Identifiers: Orphanet 572, MedGen C5447452, MONDO:0008855.

Allele frequency attached by ClinVar (database versions not stated): ExAC 0.00001; gnomAD exomes 0.00001 and below 0.00001; gnomAD 0.00001; TOPMed 0.00001.
gnomAD v4.1: 6 of 1,612,966 alleles (0.00037%); highest among the groups gnomAD compares: East Asian, 0.011%; no homozygotes.

Submissions (3):

Labcorp Genetics (formerly Invitae), Labcorp
Classification: Uncertain significance for MHC class II deficiency. Last evaluated: 2021-08-30. Review status: criteria provided, single submitter. Criteria: Invitae Variant Classification Sherloc (09022015). Collection method: clinical testing. Allele origin: germline.
Comment: This sequence change replaces glutamine with lysine at codon 786 of the CIITA protein (p.Gln786Lys). The glutamine residue is moderately conserved and there is a small physicochemical difference between glutamine and lysine. This variant is present in population databases (rs199476072, ExAC 0.01%). This variant has not been reported in the literature in individuals affected with CIITA-related conditions. ClinVar contains an entry for this variant (Variation ID: 102997). Algorithms developed to predict the effect of missense changes on protein structure and function output the following: SIFT: "Tolerated"; PolyPhen-2: "Benign"; Align-GVGD: "Class C0". The lysine amino acid residue is found in multiple mammalian species, which suggests that this missense change does not adversely affect protein function. In summary, the available evidence is currently insufficient to determine the role of this variant in disease. Therefore, it has been classified as a Variant of Uncertain Significance.

Natera, Inc.
Classification: Uncertain significance for Bare lymphocyte syndrome type II. Last evaluated: 2020-09-16. Review status: no assertion criteria provided. Collection method: clinical testing. Allele origin: germline. Not counted in ClinVar's aggregate classification.

Human Evolutionary Genetics, Institut Pasteur
No classification provided. Review status: no classification provided. Collection method: not provided. Allele origin: germline. Not counted in ClinVar's aggregate classification.
ClinVar note: Converted during submission from untested to not provided.